The following is an entry in ClinVar:

ClinVar aggregate classification (germline): Likely benign (1 of 4 stars; one submission).

Allele frequency attached by ClinVar (database versions not stated): gnomAD exomes 0.00019; ExAC 0.00028; 1000 Genomes Project 0.00300; gnomAD 0.00301; 1000 Genomes Project 30x 0.00312; TOPMed 0.00322.
gnomAD v4.1: 501 of 387,106 alleles (0.13%); highest among the groups gnomAD compares: African/African-American, 0.99%; 4 homozygotes.

Submission:

CeGaT Center for Human Genetics Tuebingen
Classification: Likely benign. Last evaluated: 2025-11-01. Review status: criteria provided, single submitter. Criteria: CeGaT Center For Human Genetics Tuebingen Variant Classification Criteria Version 2. Collection method: clinical testing. Allele origin: germline. Affected: yes. Observed: 2 variant alleles.
Comment: SEPSECS: BP4, BP7, BS2

NM_016955.4(SEPSECS):c.115-508A>G

Gene: SEPSECS (Sep (O-phosphoserine) tRNA:Sec (selenocysteine) tRNA synthase; minus strand). Cytogenetic location: 4p15.2.
Variant type: single nucleotide variant.
Coding change: c.115-508A>G on transcript NM_016955.4 (MANE Select); 508 bases into the intron before coding-DNA position 115, A replaced by G.
Molecular consequence: intron variant. On other transcripts: synonymous variant (1).
Genome position (GRCh38, 1-based): chr4:25,159,615, T>C on the plus strand (A>G on the coding strand, the complement: SEPSECS is on the minus strand). VCF-style: chr4-25159615-T-C. GRCh37 (hg19) VCF-style: chr4-25161237-T-C.
Other names: c.264A>G, p.Val88= (NM_001410714.1).
Identifiers: ClinVar variation 3234321 (VCV003234321.20), dbSNP rs182096218, ClinGen allele CA2877551.
Genomic context (GRCh38, chr4:25,159,615, plus strand): 5'-TGAAGTCAGGAGTTTGAGATCAGCCTGGCCAACATGGTGAAACCCCATCTCTACTAAAAA[T>C]ACAAACATTAACCGGGTGTGGTGGCGGGCGCCTGTAGTCCCAGCTACTCGGGAGGCTGAG-3'